The following is an entry in ClinVar:

NM_005560.6(LAMA5):c.11053G>A (p.Gly3685Arg)

Gene: LAMA5 (laminin subunit alpha 5; minus strand). Cytogenetic location: 20q13.33.
Variant type: single nucleotide variant.
Coding change: c.11053G>A on transcript NM_005560.6 (MANE Select); coding-DNA position 11053, G replaced by A.
Protein change: p.Gly3685Arg; replaces glycine 3685 with arginine.
Molecular consequence: missense variant.
Genome position (GRCh38, 1-based): chr20:62,309,371, C>T on the plus strand (G>A on the coding strand, the complement: LAMA5 is on the minus strand). VCF-style: chr20-62309371-C-T. GRCh37 (hg19) VCF-style: chr20-60884427-C-T.
Other names: c.11053G>A (NM_005560.4); short protein forms G3685R.
Identifiers: ClinVar variation 279828 (VCV000279828.34), dbSNP rs138468519, ClinGen allele CA9939464.

ClinVar aggregate classification (germline): Benign/Likely benign. Review status: criteria provided, multiple submitters, no conflicts (2 of 4 stars). 6 submissions from 6 submitters: Benign (2); Likely benign (3). 1 of the submissions does not count toward it. Last evaluated 2026-09-01.

Conditions:
LAMA5-related disorder. Also called: LAMA5-Related Disorders; LAMA5-related condition.

Allele frequency attached by ClinVar (database versions not stated): 1000 Genomes Project 0.00359; 1000 Genomes Project 30x 0.00375; ESP Exome Variant Server 0.00661; TOPMed 0.00813.
gnomAD v4.1: 17,166 of 1,590,316 alleles (1.1%); highest among the groups gnomAD compares: Non-Finnish European, 1.3%; 109 homozygotes.

Submissions (6):

CeGaT Center for Human Genetics Tuebingen
Classification: Benign. Last evaluated: 2026-09-01. Review status: criteria provided, single submitter. Criteria: CeGaT Center For Human Genetics Tuebingen Variant Classification Criteria Version 2. Collection method: clinical testing. Allele origin: germline. Affected: yes. Observed: 29 variant alleles.
Comment: LAMA5: BS1, BS2

Labcorp Genetics (formerly Invitae), Labcorp
Classification: Benign. Last evaluated: 2025-12-31. Review status: criteria provided, single submitter. Criteria: Invitae Variant Classification Sherloc (09022015). Collection method: clinical testing. Allele origin: germline.

Genomic Medicine Center of Excellence, King Faisal Specialist Hospital and Research Centre
Classification: Likely benign. Last evaluated: 2025-08-18. Review status: criteria provided, single submitter. Criteria: ACMG Guidelines, 2015. Collection method: clinical testing. Allele origin: germline.

GeneDx
Classification: Likely benign. Last evaluated: 2018-02-02. Review status: criteria provided, single submitter. Criteria: GeneDx Variant Classification (06012015). Collection method: clinical testing. Allele origin: germline. Affected: yes.
Comment: This variant is considered likely benign or benign based on one or more of the following criteria: it is a conservative change, it occurs at a poorly conserved position in the protein, it is predicted to be benign by multiple in silico algorithms, and/or has population frequency not consistent with disease.

Breakthrough Genomics
Classification: Likely benign. Review status: criteria provided, single submitter. Criteria: ACMG Guidelines, 2015. Collection method: not provided. Allele origin: germline. Inheritance: Autosomal recessive inheritance. Affected: yes.

PreventionGenetics, part of Exact Sciences
Classification: Benign for LAMA5-related condition. Last evaluated: 2019-03-29. Review status: no assertion criteria provided. Collection method: clinical testing. Allele origin: germline. Not counted in ClinVar's aggregate classification.
Comment: This variant is classified as benign based on ACMG/AMP sequence variant interpretation guidelines (Richards et al. 2015 PMID: 25741868, with internal and published modifications).